The following is an entry in ClinVar:

ClinVar aggregate classification (germline): Pathogenic (1 of 4 stars; one submission).

Conditions:
Neu-Laxova syndrome 2. Identifiers: Orphanet 2671, Orphanet 583602, MedGen C4015019, MONDO:0014466, OMIM 616038.

Submission:

Labcorp Genetics (formerly Invitae), Labcorp
Classification: Pathogenic for Neu-Laxova syndrome 2. Last evaluated: 2023-10-09. Review status: criteria provided, single submitter. Criteria: Invitae Variant Classification Sherloc (09022015). Collection method: clinical testing. Allele origin: germline.
Comment: This sequence change creates a premature translational stop signal (p.Gln26*) in the PSAT1 gene. It is expected to result in an absent or disrupted protein product. Loss-of-function variants in PSAT1 are known to be pathogenic (PMID: 17436247, 25152457). This variant is not present in population databases (gnomAD no frequency). This variant has not been reported in the literature in individuals affected with PSAT1-related conditions. For these reasons, this variant has been classified as Pathogenic.

Literature cited by the submitters: PubMed 17436247; PubMed 25152457.

NM_058179.4(PSAT1):c.76C>T (p.Gln26Ter)

Gene: PSAT1 (phosphoserine aminotransferase 1; plus strand). Cytogenetic location: 9q21.2.
Variant type: single nucleotide variant.
Coding change: c.76C>T on transcript NM_058179.4 (MANE Select); coding-DNA position 76, C replaced by T.
Protein change: p.Gln26Ter; replaces glutamine 26 with a stop codon.
Molecular consequence: nonsense.
Genome position (GRCh38, 1-based): chr9:78,300,617, C>T. VCF-style: chr9-78300617-C-T. GRCh37 (hg19) VCF-style: chr9-80915533-C-T.
Other names: c.76C>T, p.Gln26Ter (NM_021154.5); short protein forms Q26*.
Identifiers: ClinVar variation 2986158 (VCV002986158.3), dbSNP rs2489629497, ClinGen allele CA373871459.